The following is an entry in ClinVar:

NM_001034853.2(RPGR):c.3109G>T (p.Glu1037Ter)

Gene: RPGR (retinitis pigmentosa GTPase regulator; minus strand). Cytogenetic location: Xp11.4.
Variant type: single nucleotide variant.
Coding change: c.3109G>T on transcript NM_001034853.2 (MANE Select); coding-DNA position 3109, G replaced by T.
Protein change: p.Glu1037Ter; replaces glutamic acid 1037 with a stop codon.
Molecular consequence: nonsense. On other transcripts: intron variant (8).
Genome position (GRCh38, 1-based): chrX:38,285,890, C>A on the plus strand (G>T on the coding strand, the complement: RPGR is on the minus strand). VCF-style: chrX-38285890-C-A. GRCh37 (hg19) VCF-style: chrX-38145143-C-A.
Other names: c.1569+5069G>T (NM_001367249.1, NM_001367250.1); c.1902+1204G>T (NM_001367245.1); c.1386+5069G>T (NM_001367251.1); c.1719+1204G>T (NM_001367246.1); c.1572+5069G>T (NM_001367247.1); c.1905+1204G>T (NM_000328.3); c.1602+5069G>T (NM_001367248.1); short protein forms E1037*.
Identifiers: ClinVar variation 866729 (VCV000866729.5), dbSNP rs866524368, ClinGen allele CA412728993.

ClinVar aggregate classification (germline): Pathogenic/Likely pathogenic. Review status: criteria provided, multiple submitters, no conflicts (2 of 4 stars). 3 submissions from 2 submitters: Pathogenic (1); Likely pathogenic (1). 1 of the submissions does not count toward it. Last evaluated 2023-05-20.

Conditions:
Retinitis pigmentosa 3. Also called: CHOROIDORETINAL DEGENERATION WITH RETINAL REFLEX IN HETEROZYGOUS WOMEN. Identifiers: Orphanet 791, MedGen C1845667, MONDO:0010227, OMIM 300029.
Retinal dystrophy. Also called: Inherited retinal dystrophy. Identifiers: Orphanet 71862, MedGen C0854723, MeSH D058499, MONDO:0019118, HP:0000556.
Primary ciliary dyskinesia. Also called: Ciliary dyskinesia. Identifiers: Orphanet 244, MedGen C0008780, MONDO:0016575, HP:0012265.

Submissions (3):

Labcorp Genetics (formerly Invitae), Labcorp
Classification: Pathogenic for Primary ciliary dyskinesia. Last evaluated: 2023-05-20. Review status: criteria provided, single submitter. Criteria: Invitae Variant Classification Sherloc (09022015). Collection method: clinical testing. Allele origin: germline.
Comment: For these reasons, this variant has been classified as Pathogenic. This variant disrupts a region of the RPGR (ORF15) protein in which other variant(s) (p.Leu1130Lysfs*13) have been determined to be pathogenic (PMID: 22264887; Invitae). This suggests that this is a clinically significant region of the protein, and that variants that disrupt it are likely to be disease-causing. ClinVar contains an entry for this variant (Variation ID: 866729). This premature translational stop signal has been observed in individual(s) with clinical features of RPGR-related conditions (PMID: 34985506). This variant is not present in population databases (gnomAD no frequency). This sequence change creates a premature translational stop signal (p.Glu1037*) in the RPGR (ORF15) gene. While this is not anticipated to result in nonsense mediated decay, it is expected to disrupt the last 116 amino acid(s) of the RPGR (ORF15) protein.

Blueprint Genetics
Classification: Likely pathogenic for Retinal dystrophy. Last evaluated: 2017-12-18. Review status: criteria provided, single submitter. Criteria: Blueprint Genetics Variant Classification Scheme. Collection method: clinical testing. Allele origin: germline. Affected: yes.

Blueprint Genetics
Classification: Pathogenic for Retinitis pigmentosa 3. Review status: no assertion criteria provided. Collection method: clinical testing. Allele origin: germline. Affected: yes. Not counted in ClinVar's aggregate classification.

Literature cited by the submitters: PubMed 22264887 (cited by Labcorp Genetics (formerly Invitae), Labcorp); PubMed 34985506 (cited by Labcorp Genetics (formerly Invitae), Labcorp).